The following is an entry in ClinVar:

ClinVar aggregate classification (germline): Conflicting classifications of pathogenicity. Review status: criteria provided, conflicting classifications (1 of 4 stars). 4 submissions from 4 submitters: Uncertain significance (3); Benign (1). Last evaluated 2025-11-03.

Conditions:
Hereditary nonpolyposis colorectal neoplasms. Identifiers: MedGen C0009405, MeSH D003123.
Ovarian cancer. Also called: OVARIAN CANCER, SOMATIC. Identifiers: Orphanet 213500, MedGen C1140680, MONDO:0008170, OMIM 167000.
Hereditary cancer-predisposing syndrome. Also called: Hereditary neoplastic syndrome; Tumor predisposition; Neoplastic Syndromes, Hereditary; Hereditary Cancer Syndrome. Identifiers: Orphanet 140162, MedGen C0027672, MeSH D009386, MONDO:0015356.

gnomAD v4.1: 4 of 1,614,038 alleles (0.00025%); highest among the groups gnomAD compares: Non-Finnish European, 0.00034%; no homozygotes.

Submissions (4):

Labcorp Genetics (formerly Invitae), Labcorp
Classification: Uncertain significance for Hereditary nonpolyposis colorectal neoplasms. Last evaluated: 2025-11-03. Review status: criteria provided, single submitter. Criteria: Invitae Variant Classification Sherloc (09022015). Collection method: clinical testing. Allele origin: germline.
Comment: This sequence change replaces valine, which is neutral and non-polar, with isoleucine, which is neutral and non-polar, at codon 215 of the PMS2 protein (p.Val215Ile). This variant is not present in population databases (gnomAD no frequency). This variant has not been reported in the literature in individuals affected with PMS2-related conditions. ClinVar contains an entry for this variant (Variation ID: 419649). Invitae Evidence Modeling incorporating data from in vitro experimental studies (internal data) indicates that this missense variant is not expected to disrupt PMS2 function with a negative predictive value of 95%. In summary, the available evidence is currently insufficient to determine the role of this variant in disease. Therefore, it has been classified as a Variant of Uncertain Significance.

Laboratory of Molecular Epidemiology of Birth Defects, West China Second University Hospital, Sichuan University
Classification: Benign for Ovarian cancer. Last evaluated: 2022-01-01. Review status: criteria provided, single submitter. Criteria: ACMG Guidelines, 2015. Collection method: clinical testing. Allele origin: germline. Affected: yes.

Color Diagnostics, LLC DBA Color Health
Classification: Uncertain significance for Hereditary cancer-predisposing syndrome. Last evaluated: 2019-01-18. Review status: criteria provided, single submitter. Criteria: ACMG Guidelines, 2015. Collection method: clinical testing. Allele origin: germline.

GeneDx
Classification: Uncertain significance. Last evaluated: 2015-08-08. Review status: criteria provided, single submitter. Criteria: GeneDx Variant Classification (06012015). Collection method: clinical testing. Allele origin: germline. Affected: yes.
Comment: This variant is denoted PMS2 c.643G>A at the cDNA level, p.Val215Ile (V215I) at the protein level, and results in the change of a Valine to an Isoleucine (GTA>ATA). This variant has not, to our knowledge, been published in the literature as pathogenic or benign. PMS2 Val215Ile was not observed in approximately 6,500 individuals of European and African American ancestry in the NHLBI Exome Sequencing Project, indicating it is not a common benign variant in these populations. Since Valine and Isoleucine share similar properties, this is considered a conservative amino acid substitution. PMS2 Val215Ile occurs at a position where amino acids with properties similar to Valine are tolerated across species and is located within the ATPase domain (Fukui 2011, Guarne 2001). In silico analyses are inconsistent regarding the effect this variant may have on protein structure and function. Based on currently available information, it is unclear whether PMS2 Val215Ile is pathogenic or benign. We consider it to be a variant of uncertain significance.

NM_000535.7(PMS2):c.643G>A (p.Val215Ile)

Gene: PMS2 (PMS1 homolog 2, mismatch repair system component; minus strand). Cytogenetic location: 7p22.1.
Variant type: single nucleotide variant.
Coding change: c.643G>A on transcript NM_000535.7 (MANE Select); coding-DNA position 643, G replaced by A.
Protein change: p.Val215Ile; replaces valine 215 with isoleucine.
Molecular consequence: missense variant. On other transcripts: 5 prime UTR variant (2), non-coding transcript variant (1), intron variant (1).
Genome position (GRCh38, 1-based): chr7:5,999,170, C>T on the plus strand (G>A on the coding strand, the complement: PMS2 is on the minus strand). VCF-style: chr7-5999170-C-T. GRCh37 (hg19) VCF-style: chr7-6038801-C-T.
Other names: c.238G>A, p.Val80Ile (NM_001322003.2, NM_001322004.2, NM_001322005.2 and 2 more transcripts); c.643G>A, p.Val215Ile (NM_001322006.2, NM_001322014.2); c.325G>A, p.Val109Ile (NM_001322007.2, NM_001322008.2); c.-291G>A (NM_001322011.2, NM_001322012.2); c.334G>A, p.Val112Ile (NM_001322015.2); c.133-1747G>A (NM_001322013.2); short protein forms V215I, V109I, V112I, V80I.
Identifiers: ClinVar variation 419649 (VCV000419649.8), dbSNP rs1064794017, ClinGen allele CA16618527.